The following is an entry in ClinVar:

ClinVar aggregate classification (germline): Uncertain significance (1 of 4 stars; one submission).

gnomAD v4.1: 4 of 1,592,988 alleles (0.00025%); highest among the groups gnomAD compares: South Asian, 0.0011%; no homozygotes.

Submission:

Labcorp Genetics (formerly Invitae), Labcorp
Classification: Uncertain significance. Last evaluated: 2024-09-21. Review status: criteria provided, single submitter. Criteria: Invitae Variant Classification Sherloc (09022015). Collection method: clinical testing. Allele origin: germline.
Comment: This sequence change replaces alanine, which is neutral and non-polar, with valine, which is neutral and non-polar, at codon 483 of the COL9A2 protein (p.Ala483Val). This variant is not present in population databases (gnomAD no frequency). This variant has not been reported in the literature in individuals affected with COL9A2-related conditions. ClinVar contains an entry for this variant (Variation ID: 1488357). Invitae Evidence Modeling of protein sequence and biophysical properties (such as structural, functional, and spatial information, amino acid conservation, physicochemical variation, residue mobility, and thermodynamic stability) indicates that this missense variant is not expected to disrupt COL9A2 protein function with a negative predictive value of 95%. In summary, the available evidence is currently insufficient to determine the role of this variant in disease. Therefore, it has been classified as a Variant of Uncertain Significance.

NM_001852.4(COL9A2):c.1448C>T (p.Ala483Val)

Gene: COL9A2 (collagen type IX alpha 2 chain; minus strand). Cytogenetic location: 1p34.2.
Variant type: single nucleotide variant.
Coding change: c.1448C>T on transcript NM_001852.4 (MANE Select); coding-DNA position 1448, C replaced by T.
Protein change: p.Ala483Val; replaces alanine 483 with valine.
Molecular consequence: missense variant.
Genome position (GRCh38, 1-based): chr1:40,303,630, G>A on the plus strand (C>T on the coding strand, the complement: COL9A2 is on the minus strand). VCF-style: chr1-40303630-G-A. GRCh37 (hg19) VCF-style: chr1-40769302-G-A.
Other names: short protein forms A483V.
Identifiers: ClinVar variation 1488357 (VCV001488357.6), dbSNP rs1203537041, ClinGen allele CA339878589.